The following is an entry in ClinVar:

ClinVar aggregate classification (germline): Likely benign. Review status: criteria provided, single submitter (1 of 4 stars). 2 submissions from 2 submitters: Likely benign (1). 1 of the submissions does not count toward it. Last evaluated 2025-06-12.

Conditions:
NOTCH2-related disorder. Also called: NOTCH2-related condition.
Hajdu-Cheney syndrome (HJCYS). Also called: ACROOSTEOLYSIS WITH OSTEOPOROSIS AND CHANGES IN SKULL AND MANDIBLE; SERPENTINE FIBULA-POLYCYSTIC KIDNEY SYNDROME; Acroosteolysis dominant type. Identifiers: Orphanet 955, MedGen C0917715, MONDO:0007057, OMIM 102500.

Allele frequency attached by ClinVar (database versions not stated): gnomAD 0.00001; TOPMed 0.00001.
gnomAD v4.1: 3 of 1,613,810 alleles (0.00019%); highest among the groups gnomAD compares: African/African-American, 0.004%; no homozygotes.

Submissions (2):

Labcorp Genetics (formerly Invitae), Labcorp
Classification: Likely benign for Hajdu-Cheney syndrome. Last evaluated: 2025-06-12. Review status: criteria provided, single submitter. Criteria: Invitae Variant Classification Sherloc (09022015). Collection method: clinical testing. Allele origin: germline.

PreventionGenetics, part of Exact Sciences
Classification: Likely benign for NOTCH2-related condition. Last evaluated: 2023-03-10. Review status: no assertion criteria provided. Collection method: clinical testing. Allele origin: germline. Not counted in ClinVar's aggregate classification.
Comment: This variant is classified as likely benign based on ACMG/AMP sequence variant interpretation guidelines (Richards et al. 2015 PMID: 25741868, with internal and published modifications).

NM_024408.4(NOTCH2):c.4197C>G (p.Ser1399=)

Gene: NOTCH2 (notch receptor 2; minus strand). Cytogenetic location: 1p12.
Variant type: single nucleotide variant.
Coding change: c.4197C>G on transcript NM_024408.4 (MANE Select); coding-DNA position 4197, C replaced by G.
Protein change: p.Ser1399=; no amino-acid change (serine 1399 retained).
Molecular consequence: synonymous variant.
Genome position (GRCh38, 1-based): chr1:119,925,619, G>C on the plus strand (C>G on the coding strand, the complement: NOTCH2 is on the minus strand). VCF-style: chr1-119925619-G-C. GRCh37 (hg19) VCF-style: chr1-120468242-G-C.
Other names: c.4197C>G (NM_024408.3).
Identifiers: ClinVar variation 1924464 (VCV001924464.7), dbSNP rs866479046, ClinGen allele CA30319260.